The following is an entry in ClinVar:

NM_015047.3(EMC1):c.1978C>G (p.Arg660Gly)

Genes: EMC1 (ER membrane protein complex subunit 1; minus strand), EMC1-AS1 (EMC1 antisense RNA 1; plus strand). Cytogenetic location: 1p36.13.
Variant type: single nucleotide variant.
Coding change: c.1978C>G on transcript NM_015047.3 (MANE Select); coding-DNA position 1978, C replaced by G.
Protein change: p.Arg660Gly; replaces arginine 660 with glycine.
Molecular consequence: missense variant.
Genome position (GRCh38, 1-based): chr1:19,230,930, G>C on the plus strand (C>G on the coding strand, the complement: EMC1 is on the minus strand). VCF-style: chr1-19230930-G-C. GRCh37 (hg19) VCF-style: chr1-19557424-G-C.
Other names: c.1975C>G, p.Arg659Gly (NM_001271427.2, NM_001271428.2); c.1912C>G, p.Arg638Gly (NM_001271429.2); c.1987C>G, p.Arg663Gly (NM_001375820.1); c.1984C>G, p.Arg662Gly (NM_001375821.1); short protein forms R663G, R638G, R660G, R659G, R662G.
Identifiers: ClinVar variation 937222 (VCV000937222.7), dbSNP rs201271494, ClinGen allele CA652439.

ClinVar aggregate classification (germline): Uncertain significance (1 of 4 stars; one submission).

Allele frequency attached by ClinVar (database versions not stated): TOPMed 0.00003.
gnomAD v4.1: 109 of 1,614,020 alleles (0.0068%); highest among the groups gnomAD compares: Non-Finnish European, 0.009%; no homozygotes.

Submission:

Labcorp Genetics (formerly Invitae), Labcorp
Classification: Uncertain significance. Last evaluated: 2025-03-03. Review status: criteria provided, single submitter. Criteria: Invitae Variant Classification Sherloc (09022015). Collection method: clinical testing. Allele origin: germline.
Comment: This sequence change replaces arginine, which is basic and polar, with glycine, which is neutral and non-polar, at codon 660 of the EMC1 protein (p.Arg660Gly). This variant is present in population databases (rs201271494, gnomAD 0.005%). This variant has not been reported in the literature in individuals affected with EMC1-related conditions. ClinVar contains an entry for this variant (Variation ID: 937222). An algorithm developed to predict the effect of missense changes on protein structure and function (PolyPhen-2) suggests that this variant is likely to be tolerated. In summary, the available evidence is currently insufficient to determine the role of this variant in disease. Therefore, it has been classified as a Variant of Uncertain Significance.